The following is an entry in ClinVar:

NM_019098.5(CNGB3):c.848T>A (p.Ile283Lys)

Gene: CNGB3 (cyclic nucleotide gated channel subunit beta 3; minus strand). Cytogenetic location: 8q21.3.
Variant type: single nucleotide variant.
Coding change: c.848T>A on transcript NM_019098.5 (MANE Select); coding-DNA position 848, T replaced by A.
Protein change: p.Ile283Lys; replaces isoleucine 283 with lysine.
Molecular consequence: missense variant.
Genome position (GRCh38, 1-based): chr8:86,666,929, A>T on the plus strand (T>A on the coding strand, the complement: CNGB3 is on the minus strand). VCF-style: chr8-86666929-A-T. GRCh37 (hg19) VCF-style: chr8-87679157-A-T.
Other names: short protein forms I283K.
Identifiers: ClinVar variation 2049153 (VCV002049153.3), dbSNP rs902106744, ClinGen allele CA180363110.

ClinVar aggregate classification (germline): Uncertain significance. Review status: criteria provided, multiple submitters, no conflicts (2 of 4 stars). 3 submissions from 3 submitters: Uncertain significance (3). Last evaluated 2024-11-25.

Conditions:
Inborn genetic diseases. Identifiers: MedGen C0950123, MeSH D030342.

Allele frequency attached by ClinVar (database versions not stated): TOPMed 0.00002; gnomAD 0.00008.
gnomAD v4.1: 22 of 1,611,438 alleles (0.0014%); highest among the groups gnomAD compares: Admixed American, 0.02%; no homozygotes.

Submissions (3):

Blueprint Genetics
Classification: Uncertain significance. Last evaluated: 2024-11-25. Review status: criteria provided, single submitter. Criteria: ACMG Guidelines, 2015. Collection method: clinical testing. Allele origin: germline.

Ambry Genetics
Classification: Uncertain significance for Inborn genetic diseases. Last evaluated: 2022-12-15. Review status: criteria provided, single submitter. Criteria: Ambry Variant Classification Scheme 2023. Collection method: clinical testing. Allele origin: germline.

Labcorp Genetics (formerly Invitae), Labcorp
Classification: Uncertain significance. Last evaluated: 2022-08-16. Review status: criteria provided, single submitter. Criteria: Invitae Variant Classification Sherloc (09022015). Collection method: clinical testing. Allele origin: germline.
Comment: This sequence change replaces isoleucine, which is neutral and non-polar, with lysine, which is basic and polar, at codon 283 of the CNGB3 protein (p.Ile283Lys). This variant is not present in population databases (gnomAD no frequency). This variant has not been reported in the literature in individuals affected with CNGB3-related conditions. Advanced modeling of protein sequence and biophysical properties (such as structural, functional, and spatial information, amino acid conservation, physicochemical variation, residue mobility, and thermodynamic stability) performed at Invitae indicates that this missense variant is not expected to disrupt CNGB3 protein function. In summary, the available evidence is currently insufficient to determine the role of this variant in disease. Therefore, it has been classified as a Variant of Uncertain Significance.